The following is an entry in ClinVar:

NM_000342.4(SLC4A1):c.1940G>A (p.Gly647Asp)

Gene: SLC4A1 (solute carrier family 4 member 1 (Diego blood group); minus strand). Cytogenetic location: 17q21.31.
Variant type: single nucleotide variant.
Coding change: c.1940G>A on transcript NM_000342.4 (MANE Select); coding-DNA position 1940, G replaced by A.
Protein change: p.Gly647Asp; replaces glycine 647 with aspartic acid.
Molecular consequence: missense variant.
Genome position (GRCh38, 1-based): chr17:44,254,613, C>T on the plus strand (G>A on the coding strand, the complement: SLC4A1 is on the minus strand). VCF-style: chr17-44254613-C-T. GRCh37 (hg19) VCF-style: chr17-42331981-C-T.
Other names: c.1940G>A (NM_000342.3); short protein forms G647D.
Identifiers: ClinVar variation 3582102 (VCV003582102.3).

ClinVar aggregate classification (germline): Uncertain significance. Review status: criteria provided, multiple submitters, no conflicts (2 of 4 stars). 3 submissions from 3 submitters: Uncertain significance (3). Last evaluated 2025-11-25.

Conditions:
SLC4A1-related disorder. Also called: SLC4A1-related disorders; SLC4A1-related condition.
Southeast Asian ovalocytosis. Also called: Stomatocytic elliptocytosis, hereditary; Ovalocytosis, Malaysian-Melanesian-Filipino type; HE, STOMATOCYTIC; Elliptocytosis 4. Identifiers: Orphanet 98868, MedGen C1862322, MONDO:0008165, OMIM 166900.
Malaria, susceptibility to. Identifiers: Orphanet 673, MedGen C1970028, MONDO:0021024, OMIM 611162.
Hereditary spherocytosis type 4. Also called: SLC4A1-Related Spherocytosis. Identifiers: Orphanet 822, MedGen C2675212, MONDO:0012981, OMIM 612653.
BLOOD GROUP, WALDNER (WD). Also called: WALDNER BLOOD GROUP ANTIGEN. Identifiers: MedGen C1862191, OMIM 112010.
BLOOD GROUP--FROESE (FR). Also called: FROESE BLOOD GROUP ANTIGEN. Identifiers: MedGen C1832168, OMIM 601551.
BLOOD GROUP--WRIGHT ANTIGEN (WR). Identifiers: MedGen C1862190, OMIM 112050.
BLOOD GROUP--DIEGO SYSTEM (DI). Identifiers: MedGen C1292286, OMIM 110500.
BLOOD GROUP--SWANN SYSTEM (SW). Also called: SWANN BLOOD GROUP. Identifiers: MedGen C1832169, OMIM 601550.
Cryohydrocytosis. Also called: STOMATOCYTOSIS, COLD-SENSITIVE; Hereditary cryohydrocytosis with normal stomatin; CRYOHYDROCYTOSIS DUE TO BAND 3 HEMEL; CRYOHYDROCYTOSIS DUE TO BAND 3 HURSTPIERPOINT; CRYOHYDROCYTOSIS DUE TO BAND 3 BLACKBURN. Identifiers: Orphanet 398088, MedGen C1861453, MONDO:0008494, OMIM 185020.
Autosomal dominant distal renal tubular acidosis (DRTA1). Also called: RTA, CLASSIC TYPE; RTA, DISTAL TYPE, AUTOSOMAL DOMINANT; RTA, GRADIENT TYPE; RENAL TUBULAR ACIDOSIS, DISTAL, 1; Renal Tubular Acidosis, Type I. Identifiers: Orphanet 93608, MedGen CN280572, MONDO:0008368, OMIM 179800.
Renal tubular acidosis, distal, 4, with hemolytic anemia. Also called: Renal Tubular Acidosis, Distal, with Hemolytic Anemia. Identifiers: Orphanet 93610, MedGen C5436235, MONDO:0012700, OMIM 611590.

gnomAD v4.1: 6 of 1,614,018 alleles (0.00037%); highest among the groups gnomAD compares: Admixed American, 0.0017%; no homozygotes.

Submissions (3):

PreventionGenetics, part of Exact Sciences
Classification: Uncertain significance for SLC4A1-related condition. Last evaluated: 2025-11-25. Review status: criteria provided, single submitter. Criteria: ACMG Guidelines, 2015. Collection method: clinical testing. Allele origin: germline.
Comment: The SLC4A1 c.1940G>A variant is predicted to result in the amino acid substitution p.Gly647Asp. To our knowledge, this variant has not been reported in the literature. This variant is reported in 0.00088% of alleles in individuals of European (Non-Finnish) descent in gnomAD. At this time, the clinical significance of this variant is uncertain due to the absence of conclusive functional and genetic evidence.

Fulgent Genetics
Classification: Uncertain significance for BLOOD GROUP--DIEGO SYSTEM; BLOOD GROUP, WALDNER; BLOOD GROUP--WRIGHT ANTIGEN; Southeast Asian ovalocytosis; Autosomal dominant distal renal tubular acidosis; Cryohydrocytosis; BLOOD GROUP--SWANN SYSTEM; BLOOD GROUP--FROESE; Malaria, susceptibility to; Renal tubular acidosis, distal, 4, with hemolytic anemia; Hereditary spherocytosis type 4. Last evaluated: 2024-06-04. Review status: criteria provided, single submitter. Criteria: ACMG Guidelines, 2015. Collection method: clinical testing. Allele origin: germline.

Revvity Omics, Revvity
Classification: Uncertain significance. Last evaluated: 2024-03-11. Review status: criteria provided, single submitter. Criteria: ACMG Guidelines, 2015. Collection method: clinical testing. Allele origin: germline.